The following is an entry in ClinVar:

NM_001365951.3(KIF1B):c.1751G>T (p.Arg584Leu)

Gene: KIF1B (kinesin family member 1B; plus strand). Cytogenetic location: 1p36.22.
Variant type: single nucleotide variant.
Coding change: c.1751G>T on transcript NM_001365951.3 (MANE Select); coding-DNA position 1751, G replaced by T.
Protein change: p.Arg584Leu; replaces arginine 584 with leucine.
Molecular consequence: missense variant.
Genome position (GRCh38, 1-based): chr1:10,295,740, G>T. VCF-style: chr1-10295740-G-T. GRCh37 (hg19) VCF-style: chr1-10355798-G-T.
Other names: c.1751G>T, p.Arg584Leu (NM_001365952.1); c.1613G>T, p.Arg538Leu (NM_001365953.1, NM_015074.3, NM_183416.4); short protein forms R538L, R584L.
Identifiers: ClinVar variation 1049374 (VCV001049374.12), dbSNP rs1169892801, ClinGen allele CA338315118.

ClinVar aggregate classification (germline): Uncertain significance. Review status: criteria provided, multiple submitters, no conflicts (2 of 4 stars). 3 submissions from 3 submitters: Uncertain significance (2). 1 of the submissions does not count toward it. Last evaluated 2025-08-25.

Conditions:
Charcot-Marie-Tooth disease type 2. Also called: Charcot-Marie-Tooth type 2. Identifiers: Orphanet 64746, MedGen C0270914, MONDO:0018993.

Allele frequency attached by ClinVar (database versions not stated): TOPMed 0.00001; gnomAD 0.00001.
gnomAD v4.1: 23 of 1,613,626 alleles (0.0014%); highest among the groups gnomAD compares: Non-Finnish European, 0.0019%; no homozygotes.

Submissions (3):

Ambry Genetics
Classification: Uncertain significance. Last evaluated: 2025-08-25. Review status: criteria provided, single submitter. Criteria: Ambry Variant Classification Scheme 2023. Collection method: clinical testing. Allele origin: germline.
Comment: The p.R538L variant (also known as c.1613G>T), located in coding exon 16 of the KIF1B gene, results from a G to T substitution at nucleotide position 1613. The arginine at codon 538 is replaced by leucine, an amino acid with dissimilar properties. This amino acid position is well conserved in available vertebrate species. In addition, this alteration is predicted to be deleterious by in silico analysis. The evidence for this gene-disease relationship is limited; therefore, the clinical significance of this alteration is unclear.

Labcorp Genetics (formerly Invitae), Labcorp
Classification: Uncertain significance for Charcot-Marie-Tooth disease type 2. Last evaluated: 2021-09-03. Review status: criteria provided, single submitter. Criteria: Invitae Variant Classification Sherloc (09022015). Collection method: clinical testing. Allele origin: germline.
Comment: This sequence change replaces arginine with leucine at codon 538 of the KIF1B protein (p.Arg538Leu). The arginine residue is moderately conserved and there is a moderate physicochemical difference between arginine and leucine. This variant is not present in population databases (ExAC no frequency). This variant has not been reported in the literature in individuals affected with KIF1B-related conditions. ClinVar contains an entry for this variant (Variation ID: 1049374). Algorithms developed to predict the effect of missense changes on protein structure and function are either unavailable or do not agree on the potential impact of this missense change (SIFT: "Tolerated"; PolyPhen-2: "Probably Damaging"; Align-GVGD: "Class C0"). In summary, the available evidence is currently insufficient to determine the role of this variant in disease. Therefore, it has been classified as a Variant of Uncertain Significance.

Department of Pathology and Laboratory Medicine, Sinai Health System
Classification: Uncertain significance. Review status: no assertion criteria provided. Collection method: clinical testing. Allele origin: unknown. Affected: yes. Study: The Canadian Open Genetics Repository (COGR). Not counted in ClinVar's aggregate classification.
Comment: The KIF1B p.Arg538Leu variant was not identified in the literature nor was it identified in ClinVar, Cosmic or LOVD 3.0. The variant was identified in dbSNP (ID: rs1169892801) but was not identified in the following control databases: the 1000 Genomes Project, the NHLBI GO Exome Sequencing Project, or the Genome Aggregation Database (March 6, 2019, v2.1.1). The p.Arg538 residue is conserved in mammals and computational analyses (PolyPhen-2, SIFT, AlignGVGD, BLOSUM, MutationTaster) provide inconsistent predictions regarding the impact to the protein; this information is not very predictive of pathogenicity. The variant occurs outside of the splicing consensus sequence and in silico or computational prediction software programs (SpliceSiteFinder, MaxEntScan, NNSPLICE, GeneSplicer) do not predict a difference in splicing. In summary, based on the above information the clinical significance of this variant cannot be determined with certainty at this time. This variant is classified as a variant of uncertain significance.